The following is an entry in ClinVar:

ClinVar aggregate classification (germline): Uncertain significance. Review status: criteria provided, multiple submitters, no conflicts (2 of 4 stars). 2 submissions from 2 submitters: Uncertain significance (2). Last evaluated 2022-09-24.

Conditions:
Aortic aneurysm, familial thoracic 8 (AAT8). Identifiers: MedGen C3809513, MONDO:0014187, OMIM 615436.

Allele frequency attached by ClinVar (database versions not stated): gnomAD 0.00001.
gnomAD v4.1: 1 of 1,612,458 alleles (0.000062%); highest among the groups gnomAD compares: Non-Finnish European, 0.000085%; no homozygotes.

Submissions (2):

Labcorp Genetics (formerly Invitae), Labcorp
Classification: Uncertain significance for Aortic aneurysm, familial thoracic 8. Last evaluated: 2022-09-24. Review status: criteria provided, single submitter. Criteria: Invitae Variant Classification Sherloc (09022015). Collection method: clinical testing. Allele origin: germline.
Comment: This variant is not present in population databases (gnomAD no frequency). This sequence change replaces glutamine, which is neutral and polar, with histidine, which is basic and polar, at codon 126 of the PRKG1 protein (p.Gln126His). This variant has not been reported in the literature in individuals affected with PRKG1-related conditions. ClinVar contains an entry for this variant (Variation ID: 1677407). Algorithms developed to predict the effect of missense changes on protein structure and function are either unavailable or do not agree on the potential impact of this missense change (SIFT: "Deleterious"; PolyPhen-2: "Probably Damaging"; Align-GVGD: "Class C0"). In summary, the available evidence is currently insufficient to determine the role of this variant in disease. Therefore, it has been classified as a Variant of Uncertain Significance.

AiLife Diagnostics
Classification: Uncertain significance. Last evaluated: 2021-07-28. Review status: criteria provided, single submitter. Criteria: ACMG Guidelines, 2015. Collection method: clinical testing. Allele origin: germline. Affected: yes. Observed: 1 variant allele.

NM_006258.4(PRKG1):c.378G>C (p.Gln126His)

Gene: PRKG1 (protein kinase cGMP-dependent 1; plus strand). Cytogenetic location: 10q21.1.
Variant type: single nucleotide variant.
Coding change: c.378G>C on transcript NM_006258.4 (MANE Select); coding-DNA position 378, G replaced by C.
Protein change: p.Gln126His; replaces glutamine 126 with histidine.
Molecular consequence: missense variant.
Genome position (GRCh38, 1-based): chr10:51,153,230, G>C. VCF-style: chr10-51153230-G-C. GRCh37 (hg19) VCF-style: chr10-52912990-G-C.
Other names: c.333G>C, p.Gln111His (NM_001098512.3); c.378G>C, p.Gln126His (NM_001374782.1); short protein forms Q111H, Q126H.
Identifiers: ClinVar variation 1677407 (VCV001677407.6), dbSNP rs749508576, ClinGen allele CA376827433.